The following is an entry in ClinVar:

ClinVar aggregate classification (germline): Pathogenic/Likely pathogenic. Review status: criteria provided, multiple submitters, no conflicts (2 of 4 stars). 4 submissions from 4 submitters: Pathogenic (1); Likely pathogenic (2). 1 of the submissions does not count toward it. Last evaluated 2026-04-15.

Conditions:
Familial thoracic aortic aneurysm and aortic dissection (TAAD). Also called: Thoracic aortic aneurysms and dissections. Identifiers: Orphanet 91387, MedGen C4707243, MONDO:0019625.
Ehlers-Danlos syndrome, type 4 (EDSVASC). Also called: Ehlers-Danlos syndrome vascular type; Ehlers Danlos syndrome, ecchymotic type; Ehlers Danlos syndrome, arterial type; Ehlers Danlos syndrome, Sack-Barabas type; Ehlers-Danlos Syndrome Type IV. Identifiers: Orphanet 286, MedGen C0268338, MONDO:0017314, OMIM 130050.

Submissions (4):

GeneDx
Classification: Likely pathogenic. Last evaluated: 2026-04-15. Review status: criteria provided, single submitter. Criteria: GeneDx Variant Classification Process June 2021. Collection method: clinical testing. Allele origin: germline.
Comment: Reported in a patient with COL3A1-related vascular Ehlers-Danlos syndrome in the published literature who also had a second variant in cis that may have contributed the phenotype (PMID: 34845833); Occurs in the triple helical domain and replaces the glycine in the canonical Gly-X-Y repeat; missense substitution of a canonical glycine residue is expected to disrupt normal protein folding and function, and this is an established mechanism of disease (HGMD); Not observed at significant frequency in large population cohorts (gnomAD); In silico analysis supports that this missense variant has a deleterious effect on protein structure/function; Also known as p.(G574S); This variant is associated with the following publications: (PMID: 24399159, 24922459, 30474650, 34845833, 30919682)

Ambry Genetics
Classification: Likely pathogenic for Familial thoracic aortic aneurysm and aortic dissection. Last evaluated: 2024-07-23. Review status: criteria provided, single submitter. Criteria: Ambry Variant Classification Scheme 2023. Collection method: clinical testing. Allele origin: germline.
Comment: The p.G741S variant (also known as c.2221G>A), located in coding exon 31 of the COL3A1 gene, results from a G to A substitution at nucleotide position 2221. The glycine at codon 741 is replaced by serine, an amino acid with similar properties. The majority (approximately two-thirds) ofCOL3A1mutations identified to date have involved the substitution of another amino acid for glycine within the triple-helical domain (PepinMG et al.GenetMed.2014;16(12):881-8; Frank M et al.Eur J Hum Genet. 2015;23(12):1657-64). Internal structural analysis indicates that this alteration disrupts the characteristic G-X-Y motif in theCOL3A1protein and inserts a bulky side chain into asterically-constrainedregion (Bella J et al.Science.1994;266:75-81;HohenesterE et al.Proc. Natl.Acad. Sci. U.S.A.2008;105:18273-7; Ambry internal data). This alteration has been reported in individuals with concerns for vascular Ehlers-Danlos syndrome (EDS) (Morissette R et al. Circ Cardiovasc Genet, 2014 Feb;7:80-8; Henneton P et al. Circ Genom Precis Med, 2019 Mar;12:e001996; Liang M et al. J Cell Mol Med, 2022 Jan;26:144-150). This amino acid position is highly conserved in available vertebrate species. In addition, this alteration is predicted to be deleterious by in silico analysis. Based on the majority of available evidence to date, this variant is likely to be pathogenic.

Labcorp Genetics (formerly Invitae), Labcorp
Classification: Pathogenic for Ehlers-Danlos syndrome, type 4. Last evaluated: 2024-04-25. Review status: criteria provided, single submitter. Criteria: Invitae Variant Classification Sherloc (09022015). Collection method: clinical testing. Allele origin: germline.
Comment: This sequence change replaces glycine, which is neutral and non-polar, with serine, which is neutral and polar, at codon 741 of the COL3A1 protein (p.Gly741Ser). This variant is not present in population databases (gnomAD no frequency). This missense change has been observed in individuals with vascular Ehlers-Danlos syndrome (PMID: 24399159, 30474650). ClinVar contains an entry for this variant (Variation ID: 101444). Advanced modeling of protein sequence and biophysical properties (such as structural, functional, and spatial information, amino acid conservation, physicochemical variation, residue mobility, and thermodynamic stability) performed at Invitae indicates that this missense variant is expected to disrupt COL3A1 protein function with a positive predictive value of 95%. This variant disrupts the triple helix domain of COL3A1. Glycine residues within the Gly-Xaa-Yaa repeats of the triple helix domain are required for the structure and stability of fibrillar collagens (PMID: 7695699, 8218237, 19344236). In COL3A1, variants that affect these glycine residues are significantly enriched in individuals with disease (PMID: 24922459, 25758994) compared to the general population (ExAC). This variant disrupts the p.Gly741 amino acid residue in COL3A1. Other variant(s) that disrupt this residue have been observed in individuals with COL3A1-related conditions (PMID: 25526469, 29323927), which suggests that this may be a clinically significant amino acid residue. For these reasons, this variant has been classified as Pathogenic.

Collagen Diagnostic Laboratory, University of Washington
Classification: Pathogenic for Ehlers-Danlos syndrome, type 4. Review status: no assertion criteria provided. Collection method: clinical testing. Allele origin: germline. Affected: yes. Not counted in ClinVar's aggregate classification.

Literature cited by the submitters: PubMed 24399159 (cited by Ambry Genetics and Labcorp Genetics (formerly Invitae), Labcorp); PubMed 24922459 (cited by Ambry Genetics and Labcorp Genetics (formerly Invitae), Labcorp); PubMed 25526469 (cited by Ambry Genetics and Labcorp Genetics (formerly Invitae), Labcorp); PubMed 30919682 (cited by Ambry Genetics); PubMed 34845833 (cited by Ambry Genetics); PubMed 30474650 (cited by Labcorp Genetics (formerly Invitae), Labcorp); PubMed 7695699 (cited by Labcorp Genetics (formerly Invitae), Labcorp); PubMed 8218237 (cited by Labcorp Genetics (formerly Invitae), Labcorp); PubMed 19344236 (cited by Labcorp Genetics (formerly Invitae), Labcorp); PubMed 25758994 (cited by Labcorp Genetics (formerly Invitae), Labcorp); PubMed 29323927 (cited by Labcorp Genetics (formerly Invitae), Labcorp).

NM_000090.4(COL3A1):c.2221G>A (p.Gly741Ser)

Gene: COL3A1 (collagen type III alpha 1 chain; plus strand). Cytogenetic location: 2q32.2.
Variant type: single nucleotide variant.
Coding change: c.2221G>A on transcript NM_000090.4 (MANE Select); coding-DNA position 2221, G replaced by A.
Protein change: p.Gly741Ser; replaces glycine 741 with serine.
Molecular consequence: missense variant.
Genome position (GRCh38, 1-based): chr2:188,999,569, G>A. VCF-style: chr2-188999569-G-A. GRCh37 (hg19) VCF-style: chr2-189864295-G-A.
Identifiers: ClinVar variation 101444 (VCV000101444.7), dbSNP rs587779685, ClinGen allele CA005209.
Genomic context (GRCh38, chr2:188,999,569, plus strand): 5'-ACTCCTGGTCTGCAAGGAATGCCTGGAGAAAGAGGAGGTCTTGGAAGTCCTGGTCCAAAG[G>A]GTGACAAGGTGTTGACTTGTTTTCTCTTAATTGTTCAATAAATCAGTCATTGTAGGTTTT-3'
Protein context (NP_000081.2, residues 731-751): RGGLGSPGPK[Gly741Ser]DKGEPGGPGA